The following is an entry in ClinVar:

ClinVar aggregate classification (germline): Likely benign. Review status: criteria provided, multiple submitters, no conflicts (2 of 4 stars). 2 submissions from 2 submitters: Likely benign (2). Last evaluated 2025-04-26.

Conditions:
Pheochromocytoma/paraganglioma syndrome 5. Also called: Paragangliomas 5; SDHA-Related Hereditary Paraganglioma-Pheochromocytoma Syndrome. Identifiers: Orphanet 29072, MedGen C3279992, MONDO:0013602, OMIM 614165.
Mitochondrial complex II deficiency, nuclear type 1. Also called: SUCCINATE CoQ REDUCTASE DEFICIENCY. Identifiers: Orphanet 3208, MedGen C5700310, MONDO:0100294, OMIM 252011.

Submissions (2):

Labcorp Genetics (formerly Invitae), Labcorp
Classification: Likely benign for Pheochromocytoma/paraganglioma syndrome 5; Mitochondrial complex II deficiency, nuclear type 1. Last evaluated: 2025-04-26. Review status: criteria provided, single submitter. Criteria: Invitae Variant Classification Sherloc (09022015). Collection method: clinical testing. Allele origin: germline.

Myriad Genetics, Inc.
Classification: Likely benign for Pheochromocytoma/paraganglioma syndrome 5. Last evaluated: 2025-02-28. Review status: criteria provided, single submitter. Criteria: Myriad Autosomal Dominant, Autosomal Recessive and X-Linked Classification Criteria (2023). Collection method: clinical testing. Allele origin: unknown.
Comment: This variant is considered likely benign. This variant is intronic and is not expected to impact mRNA splicing.

NM_004168.4(SDHA):c.151-20G>T

Gene: SDHA (succinate dehydrogenase complex flavoprotein subunit A; plus strand). Cytogenetic location: 5p15.33.
Variant type: single nucleotide variant.
Coding change: c.151-20G>T on transcript NM_004168.4 (MANE Select); 20 bases into the intron before coding-DNA position 151, G replaced by T.
Molecular consequence: intron variant.
Genome position (GRCh38, 1-based): chr5:224,340, G>T. VCF-style: chr5-224340-G-T. GRCh37 (hg19) VCF-style: chr5-224455-G-T.
Other names: c.151-20G>T (NM_001330758.2, NM_001294332.2).
Identifiers: ClinVar variation 1585694 (VCV001585694.9), dbSNP rs2126542228, ClinGen allele CA2573138528.